The following is an entry in ClinVar:

ClinVar aggregate classification (germline): Uncertain significance. Review status: criteria provided, multiple submitters, no conflicts (2 of 4 stars). 2 submissions from 2 submitters: Uncertain significance (2). Last evaluated 2025-08-26.

Conditions:
Inborn genetic diseases. Identifiers: MedGen C0950123, MeSH D030342.

gnomAD v4.1: 103 of 1,541,602 alleles (0.0067%); highest among the groups gnomAD compares: South Asian, 0.02%; no homozygotes.

Submissions (2):

Ambry Genetics
Classification: Uncertain significance for Inborn genetic diseases. Last evaluated: 2025-08-26. Review status: criteria provided, single submitter. Criteria: Ambry Variant Classification Scheme 2023. Collection method: clinical testing. Allele origin: germline.

Labcorp Genetics (formerly Invitae), Labcorp
Classification: Uncertain significance. Last evaluated: 2024-02-17. Review status: criteria provided, single submitter. Criteria: Invitae Variant Classification Sherloc (09022015). Collection method: clinical testing. Allele origin: germline.
Comment: This sequence change replaces threonine, which is neutral and polar, with serine, which is neutral and polar, at codon 1249 of the LAMA5 protein (p.Thr1249Ser). This variant is present in population databases (rs751199114, gnomAD 0.02%). This variant has not been reported in the literature in individuals affected with LAMA5-related conditions. Algorithms developed to predict the effect of missense changes on protein structure and function output the following: SIFT: "Not Available"; PolyPhen-2: "Benign"; Align-GVGD: "Not Available". The serine amino acid residue is found in multiple mammalian species, which suggests that this missense change does not adversely affect protein function. In summary, the available evidence is currently insufficient to determine the role of this variant in disease. Therefore, it has been classified as a Variant of Uncertain Significance.

NM_005560.6(LAMA5):c.3746C>G (p.Thr1249Ser)

Gene: LAMA5 (laminin subunit alpha 5; minus strand). Cytogenetic location: 20q13.33.
Variant type: single nucleotide variant.
Coding change: c.3746C>G on transcript NM_005560.6 (MANE Select); coding-DNA position 3746, C replaced by G.
Protein change: p.Thr1249Ser; replaces threonine 1249 with serine.
Molecular consequence: missense variant.
Genome position (GRCh38, 1-based): chr20:62,330,849, G>C on the plus strand (C>G on the coding strand, the complement: LAMA5 is on the minus strand). VCF-style: chr20-62330849-G-C. GRCh37 (hg19) VCF-style: chr20-60905905-G-C.
Other names: c.3746C>G (NM_005560.3); short protein forms T1249S.
Identifiers: ClinVar variation 3670841 (VCV003670841.2).